The following is an entry in ClinVar:

ClinVar aggregate classification (germline): Uncertain significance. Review status: criteria provided, multiple submitters, no conflicts (2 of 4 stars). 2 submissions from 2 submitters: Uncertain significance (2). Last evaluated 2025-10-28.

Conditions:
Epidermolysis bullosa simplex 5B, with muscular dystrophy (EBS5B). Also called: Epidermolysis bullosa simplex with muscular dystrophy; EPIDERMOLYSIS BULLOSA SIMPLEX AND LIMB-GIRDLE MUSCULAR DYSTROPHY. Identifiers: Orphanet 257, MedGen C2931072, MONDO:0009181, OMIM 226670.
Epidermolysis bullosa simplex, Ogna type (EBS5A). Also called: Pidermolysis bullosa simplex 5A, Ogna type; EPIDERMOLYSIS BULLOSA SIMPLEX 5A, OGNA TYPE. Identifiers: Orphanet 79401, MedGen C0432317, MONDO:0007555, OMIM 131950.
Epidermolysis bullosa simplex 5C, with pyloric atresia (EBS5C). Also called: PLEC-Related Epidermolysis Bullosa with Pyloric Atresia; Epidermolysis bullosa simplex with pyloric atresia; PLEC1-Related Epidermolysis Bullosa with Pyloric Atresia. Identifiers: Orphanet 158684, MedGen C2677349, MONDO:0012807, OMIM 612138.
Autosomal recessive limb-girdle muscular dystrophy type 2Q (LGMDR17). Also called: MUSCULAR DYSTROPHY, LIMB-GIRDLE, AUTOSOMAL RECESSIVE 17. Identifiers: Orphanet 254361, MedGen C3150989, MONDO:0013390, OMIM 613723.
Epidermolysis bullosa simplex with nail dystrophy (EBS5D). Identifiers: MedGen C4225309, MONDO:0014661, OMIM 616487.
Inborn genetic diseases. Identifiers: MedGen C0950123, MeSH D030342.

Allele frequency attached by ClinVar (database versions not stated): gnomAD 0.00003 and 0.00005; gnomAD exomes 0.00003 and 0.00006; TOPMed 0.00006; ExAC 0.00008; 1000 Genomes Project 30x 0.00016.
gnomAD v4.1: 53 of 1,599,738 alleles (0.0033%); highest among the groups gnomAD compares: East Asian, 0.085%; no homozygotes.

Submissions (2):

Labcorp Genetics (formerly Invitae), Labcorp
Classification: Uncertain significance for Autosomal recessive limb-girdle muscular dystrophy type 2Q; Epidermolysis bullosa simplex, Ogna type; Epidermolysis bullosa simplex with nail dystrophy; Epidermolysis bullosa simplex 5C, with pyloric atresia; Epidermolysis bullosa simplex 5B, with muscular dystrophy. Last evaluated: 2025-10-28. Review status: criteria provided, single submitter. Criteria: Invitae Variant Classification Sherloc (09022015). Collection method: clinical testing. Allele origin: germline.
Comment: This sequence change replaces alanine, which is neutral and non-polar, with valine, which is neutral and non-polar, at codon 2174 of the PLEC protein (p.Ala2174Val). This variant is present in population databases (rs201351000, gnomAD 0.08%). This variant has not been reported in the literature in individuals affected with PLEC-related conditions. ClinVar contains an entry for this variant (Variation ID: 1007881). An algorithm developed to predict the effect of missense changes on protein structure and function outputs the following: PolyPhen-2: "Possibly Damaging". The valine amino acid residue is found in multiple mammalian species, which suggests that this missense change does not adversely affect protein function. In summary, the available evidence is currently insufficient to determine the role of this variant in disease. Therefore, it has been classified as a Variant of Uncertain Significance.

Ambry Genetics
Classification: Uncertain significance for Inborn genetic diseases. Last evaluated: 2023-02-28. Review status: criteria provided, single submitter. Criteria: Ambry Variant Classification Scheme 2023. Collection method: clinical testing. Allele origin: germline.

NM_201384.3(PLEC):c.6440C>T (p.Ala2147Val)

Gene: PLEC (plectin; minus strand). Cytogenetic location: 8q24.3.
Variant type: single nucleotide variant.
Coding change: c.6440C>T on transcript NM_201384.3 (MANE Select); coding-DNA position 6440, C replaced by T.
Protein change: p.Ala2147Val; replaces alanine 2147 with valine.
Molecular consequence: missense variant.
Genome position (GRCh38, 1-based): chr8:143,923,489, G>A on the plus strand (C>T on the coding strand, the complement: PLEC is on the minus strand). VCF-style: chr8-143923489-G-A. GRCh37 (hg19) VCF-style: chr8-144997657-G-A.
Other names: c.6521C>T, p.Ala2174Val (NM_000445.5); c.6398C>T, p.Ala2133Val (NM_201378.4); c.6374C>T, p.Ala2125Val (NM_201379.3); c.6851C>T, p.Ala2284Val (NM_201380.4); c.6344C>T, p.Ala2115Val (NM_201381.3); c.6440C>T, p.Ala2147Val (NM_201382.4); c.6452C>T, p.Ala2151Val (NM_201383.3); c.6521C>T (NM_000445.3); short protein forms A2115V, A2125V, A2133V, A2147V, A2151V, A2174V, A2284V.
Identifiers: ClinVar variation 1007881 (VCV001007881.7), dbSNP rs201351000, ClinGen allele CA4925991.
Genomic context (GRCh38, chr8:143,923,489, plus strand): 5'-ATCTCCGCGTCAGCTGCCTGCTTCTGCCGCAGGGCCGCCTGCTCCGCCTGTGCCCGCCGC[G>A]CCGCCTCTTGCTCGGCCTCCTTGCGCAGCTTCTCTGCAGCCGCCTGTGCCTGAGCCCGGG-3'
Protein context (NP_958786.1, residues 2137-2157): KLRKEAEQEA[Ala2147Val]RRAQAEQAAL